The following is an entry in ClinVar:

NM_013386.5(SLC25A24):c.101A>G (p.Asn34Ser)

Gene: SLC25A24 (solute carrier family 25 member 24; minus strand). Cytogenetic location: 1p13.3.
Variant type: single nucleotide variant.
Coding change: c.101A>G on transcript NM_013386.5 (MANE Select); coding-DNA position 101, A replaced by G.
Protein change: p.Asn34Ser; replaces asparagine 34 with serine.
Molecular consequence: missense variant.
Genome position (GRCh38, 1-based): chr1:108,200,038, T>C on the plus strand (A>G on the coding strand, the complement: SLC25A24 is on the minus strand). VCF-style: chr1-108200038-T-C. GRCh37 (hg19) VCF-style: chr1-108742660-T-C.
Other names: short protein forms N34S.
Identifiers: ClinVar variation 2385765 (VCV002385765.4), dbSNP rs372143943, ClinGen allele CA979454.
Genomic context (GRCh38, chr1:108,200,038, plus strand): 5'-GGGATGCCCAGGTTCCTGAGCCCCTCCTGCAGCTCGCCGATGTCCACCACTCCGTCCCCA[T>C]TGCGGTCCAGTGCCTGGAAGAGGGTCTCGTAGCGCGTCGGCTGCTCCGCGTCCTGGCAGG-3'
Protein context (NP_037518.3, residues 24-44): YETLFQALDR[Asn34Ser]GDGVVDIGEL

ClinVar aggregate classification (germline): Uncertain significance. Review status: criteria provided, multiple submitters, no conflicts (2 of 4 stars). 2 submissions from 2 submitters: Uncertain significance (2). Last evaluated 2025-07-23.

Conditions:
Inborn genetic diseases. Identifiers: MedGen C0950123, MeSH D030342.

Allele frequency attached by ClinVar (database versions not stated): gnomAD exomes 0.00002; ExAC 0.00005; gnomAD 0.00005; TOPMed 0.00006; 1000 Genomes Project 30x 0.00031; 1000 Genomes Project 0.00040.
gnomAD v4.1: 56 of 1,609,606 alleles (0.0035%); highest among the groups gnomAD compares: East Asian, 0.036%; no homozygotes.

Submissions (2):

Labcorp Genetics (formerly Invitae), Labcorp
Classification: Uncertain significance. Last evaluated: 2025-07-23. Review status: criteria provided, single submitter. Criteria: Invitae Variant Classification Sherloc (09022015). Collection method: clinical testing. Allele origin: germline.
Comment: This sequence change replaces asparagine, which is neutral and polar, with serine, which is neutral and polar, at codon 34 of the SLC25A24 protein (p.Asn34Ser). This variant is present in population databases (rs372143943, gnomAD 0.04%). This variant has not been reported in the literature in individuals affected with SLC25A24-related conditions. ClinVar contains an entry for this variant (Variation ID: 2385765). Invitae Evidence Modeling of protein sequence and biophysical properties (such as structural, functional, and spatial information, amino acid conservation, physicochemical variation, residue mobility, and thermodynamic stability) indicates that this missense variant is not expected to disrupt SLC25A24 protein function with a negative predictive value of 80%. In summary, the available evidence is currently insufficient to determine the role of this variant in disease. Therefore, it has been classified as a Variant of Uncertain Significance.

Ambry Genetics
Classification: Uncertain significance for Inborn genetic diseases. Last evaluated: 2024-12-07. Review status: criteria provided, single submitter. Criteria: Ambry Variant Classification Scheme 2023. Collection method: clinical testing. Allele origin: germline.